The following is an entry in ClinVar:

ClinVar aggregate classification (germline): Uncertain significance (1 of 4 stars; one submission).

Conditions:
Cardiovascular phenotype. Identifiers: MedGen CN230736.

Allele frequency attached by ClinVar (database versions not stated): TOPMed below 0.00001; ExAC 0.00001; gnomAD 0.00001; ESP Exome Variant Server 0.00008.
gnomAD v4.1: 2 of 1,613,582 alleles (0.00012%); highest among the groups gnomAD compares: African/African-American, 0.0027%; no homozygotes.

Submission:

Ambry Genetics
Classification: Uncertain significance for Cardiovascular phenotype. Last evaluated: 2023-06-07. Review status: criteria provided, single submitter. Criteria: Ambry Variant Classification Scheme 2023. Collection method: clinical testing. Allele origin: germline.
Comment: The p.V361L variant (also known as c.1081G>C), located in coding exon 12 of the TXNRD2 gene, results from a G to C substitution at nucleotide position 1081. The valine at codon 361 is replaced by leucine, an amino acid with highly similar properties. This amino acid position is conserved. In addition, this alteration is predicted to be tolerated by in silico analysis. The evidence for this gene-disease relationship is limited; therefore, the clinical significance of this alteration is unclear.

NM_006440.5(TXNRD2):c.1081G>C (p.Val361Leu)

Gene: TXNRD2 (thioredoxin reductase 2; minus strand). Cytogenetic location: 22q11.21.
Variant type: single nucleotide variant.
Coding change: c.1081G>C on transcript NM_006440.5 (MANE Select); coding-DNA position 1081, G replaced by C.
Protein change: p.Val361Leu; replaces valine 361 with leucine.
Molecular consequence: missense variant. On other transcripts: non-coding transcript variant (1).
Genome position (GRCh38, 1-based): chr22:19,883,330, C>G on the plus strand (G>C on the coding strand, the complement: TXNRD2 is on the minus strand). VCF-style: chr22-19883330-C-G. GRCh37 (hg19) VCF-style: chr22-19870853-C-G.
Other names: c.1078G>C, p.Val360Leu (NM_001352300.2); c.991G>C, p.Val331Leu (NM_001352301.2); c.793G>C, p.Val265Leu (NM_001352302.2); short protein forms V265L, V360L, V331L, V361L.
Identifiers: ClinVar variation 1786608 (VCV001786608.3), dbSNP rs374032231, ClinGen allele CA10103844.